The following is an entry in ClinVar:

NM_172107.4(KCNQ2):c.2248C>T (p.Arg750Trp)

Gene: KCNQ2 (potassium voltage-gated channel subfamily Q member 2; minus strand). Cytogenetic location: 20q13.33.
Variant type: single nucleotide variant.
Coding change: c.2248C>T on transcript NM_172107.4 (MANE Select); coding-DNA position 2248, C replaced by T.
Protein change: p.Arg750Trp; replaces arginine 750 with tryptophan.
Molecular consequence: missense variant.
Genome position (GRCh38, 1-based): chr20:63,407,015, G>A on the plus strand (C>T on the coding strand, the complement: KCNQ2 is on the minus strand). VCF-style: chr20-63407015-G-A. GRCh37 (hg19) VCF-style: chr20-62038368-G-A.
Other names: c.2302C>T, p.Arg768Trp (NM_001382235.1); c.2164C>T, p.Arg722Trp (NM_004518.6); c.2194C>T, p.Arg732Trp (NM_172106.3); c.2155C>T, p.Arg719Trp (NM_172108.5); short protein forms R719W, R750W, R732W, R722W, R768W.
Identifiers: ClinVar variation 1040518 (VCV001040518.11), dbSNP rs759060719, ClinGen allele CA409638228.

ClinVar aggregate classification (germline): Uncertain significance (1 of 4 stars; one submission).

Conditions:
Early-infantile DEE. Also called: Ohtahara syndrome; Early infantile epileptic encephalopathy with suppression bursts; Early infantile epileptic encephalopathy. Identifiers: Orphanet 1934, MedGen C0393706, MONDO:0800491.

gnomAD v4.1: 12 of 1,527,558 alleles (0.00079%); highest among the groups gnomAD compares: East Asian, 0.0024%; no homozygotes.

Submission:

Labcorp Genetics (formerly Invitae), Labcorp
Classification: Uncertain significance for Early-infantile DEE. Last evaluated: 2022-08-15. Review status: criteria provided, single submitter. Criteria: Invitae Variant Classification Sherloc (09022015). Collection method: clinical testing. Allele origin: germline.
Comment: ClinVar contains an entry for this variant (Variation ID: 1040518). In summary, the available evidence is currently insufficient to determine the role of this variant in disease. Therefore, it has been classified as a Variant of Uncertain Significance. Advanced modeling of protein sequence and biophysical properties (such as structural, functional, and spatial information, amino acid conservation, physicochemical variation, residue mobility, and thermodynamic stability) performed at Invitae indicates that this missense variant is expected to disrupt KCNQ2 protein function. This variant has not been reported in the literature in individuals affected with KCNQ2-related conditions. This variant is not present in population databases (gnomAD no frequency). This sequence change replaces arginine, which is basic and polar, with tryptophan, which is neutral and slightly polar, at codon 750 of the KCNQ2 protein (p.Arg750Trp).